The following is an entry in ClinVar:

ClinVar aggregate classification (germline): Uncertain significance. Review status: criteria provided, multiple submitters, no conflicts (2 of 4 stars). 2 submissions from 2 submitters: Uncertain significance (2). Last evaluated 2025-09-22.

Conditions:
Inborn genetic diseases. Identifiers: MedGen C0950123, MeSH D030342.
Episodic ataxia type 2 (EA2). Also called: ATAXIA, EPISODIC, WITH NYSTAGMUS; ATAXIA, FAMILIAL PAROXYSMAL; CEREBELLAR ATAXIA, PAROXYSMAL, ACETAZOLAMIDE-RESPONSIVE; CEREBELLOPATHY, HEREDITARY PAROXYSMAL; ACETAZOLAMIDE-RESPONSIVE HEREDITARY PAROXYSMAL CEREBELLAR ATAXIA; EPISODIC ATAXIA, NYSTAGMUS-ASSOCIATED. Identifiers: Orphanet 97, MedGen C1720416, MONDO:0007163, OMIM 108500.
Developmental and epileptic encephalopathy, 42 (DEE42A). Also called: DEVELOPMENTAL AND EPILEPTIC ENCEPHALOPATHY 42A; EPILEPTIC ENCEPHALOPATHY, EARLY INFANTILE, 42A; Epileptic encephalopathy, early infantile, 42. Identifiers: MedGen C4310716, MONDO:0014917, OMIM 617106.

Allele frequency attached by ClinVar (database versions not stated): gnomAD exomes 0.00001; TOPMed 0.00001.
gnomAD v4.1: 7 of 1,613,844 alleles (0.00043%); highest among the groups gnomAD compares: Non-Finnish European, 0.00051%; no homozygotes.

Submissions (2):

Ambry Genetics
Classification: Uncertain significance for Inborn genetic diseases. Last evaluated: 2025-09-22. Review status: criteria provided, single submitter. Criteria: Ambry Variant Classification Scheme 2023. Collection method: clinical testing. Allele origin: germline.

Labcorp Genetics (formerly Invitae), Labcorp
Classification: Uncertain significance for Developmental and epileptic encephalopathy, 42; Episodic ataxia type 2. Last evaluated: 2024-06-09. Review status: criteria provided, single submitter. Criteria: Invitae Variant Classification Sherloc (09022015). Collection method: clinical testing. Allele origin: germline.
Comment: This sequence change replaces asparagine, which is neutral and polar, with lysine, which is basic and polar, at codon 1072 of the CACNA1A protein (p.Asn1072Lys). This variant is not present in population databases (gnomAD no frequency). This variant has not been reported in the literature in individuals affected with CACNA1A-related conditions. ClinVar contains an entry for this variant (Variation ID: 1499939). Advanced modeling of protein sequence and biophysical properties (such as structural, functional, and spatial information, amino acid conservation, physicochemical variation, residue mobility, and thermodynamic stability) performed at Invitae indicates that this missense variant is not expected to disrupt CACNA1A protein function with a negative predictive value of 95%. In summary, the available evidence is currently insufficient to determine the role of this variant in disease. Therefore, it has been classified as a Variant of Uncertain Significance.

NM_001127222.2(CACNA1A):c.3213C>A (p.Asn1071Lys)

Gene: CACNA1A (calcium voltage-gated channel subunit alpha1 A; minus strand). Cytogenetic location: 19p13.13.
Variant type: single nucleotide variant.
Coding change: c.3213C>A on transcript NM_001127222.2 (MANE Select); coding-DNA position 3213, C replaced by A.
Protein change: p.Asn1071Lys; replaces asparagine 1071 with lysine.
Molecular consequence: missense variant.
Genome position (GRCh38, 1-based): chr19:13,286,843, G>T on the plus strand (C>A on the coding strand, the complement: CACNA1A is on the minus strand). VCF-style: chr19-13286843-G-T. GRCh37 (hg19) VCF-style: chr19-13397657-G-T.
Other names: c.3216C>A (NM_001127221.1); c.3225C>A, p.Asn1075Lys (NM_000068.4, NM_023035.3); c.3216C>A, p.Asn1072Lys (NM_001127221.2, NM_001174080.2); short protein forms N1075K, N1072K, N1071K.
Identifiers: ClinVar variation 1499939 (VCV001499939.9), dbSNP rs1369614864, ClinGen allele CA404341825.